The following is an entry in ClinVar:

ClinVar aggregate classification (germline): Conflicting classifications of pathogenicity. Review status: criteria provided, conflicting classifications (1 of 4 stars). 2 submissions from 2 submitters: Uncertain significance (1); Likely benign (1). Last evaluated 2022-10-21.

Conditions:
Developmental and epileptic encephalopathy, 2 (DEE2). Also called: INFANTILE SPASM SYNDROME, X-LINKED 2; CDKL5 deficiency disorder. Identifiers: Orphanet 1934, Orphanet 3451, Orphanet 505652, MedGen C4750718, MONDO:0010396, OMIM 300672.
Angelman syndrome-like. Identifiers: MedGen CN128785.
West syndrome. Also called: Infantile epileptic spasms syndrome. Identifiers: Orphanet 3451, Orphanet 697160, MedGen C0037769, MONDO:0018097. Disease mechanism: loss of function.

Submissions (2):

Labcorp Genetics (formerly Invitae), Labcorp
Classification: Uncertain significance for Developmental and epileptic encephalopathy, 2; Angelman syndrome-like. Last evaluated: 2022-10-21. Review status: criteria provided, single submitter. Criteria: Invitae Variant Classification Sherloc (09022015). Collection method: clinical testing. Allele origin: germline.
Comment: This sequence change replaces methionine, which is neutral and non-polar, with isoleucine, which is neutral and non-polar, at codon 448 of the CDKL5 protein (p.Met448Ile). This variant is not present in population databases (gnomAD no frequency). This variant has not been reported in the literature in individuals affected with CDKL5-related conditions. ClinVar contains an entry for this variant (Variation ID: 547186). Advanced modeling of protein sequence and biophysical properties (such as structural, functional, and spatial information, amino acid conservation, physicochemical variation, residue mobility, and thermodynamic stability) performed at Invitae indicates that this missense variant is not expected to disrupt CDKL5 protein function. In summary, the available evidence is currently insufficient to determine the role of this variant in disease. Therefore, it has been classified as a Variant of Uncertain Significance.

Center for Human Genetics, Inc
Classification: Likely benign for West syndrome. Last evaluated: 2016-11-01. Review status: criteria provided, single submitter. Criteria: ACMG Guidelines, 2015. Collection method: clinical testing. Allele origin: germline. Affected: yes.

NM_001323289.2(CDKL5):c.1344G>A (p.Met448Ile)

Gene: CDKL5 (cyclin dependent kinase like 5; plus strand). Cytogenetic location: Xp22.13.
Variant type: single nucleotide variant.
Coding change: c.1344G>A on transcript NM_001323289.2 (MANE Select); coding-DNA position 1344, G replaced by A.
Protein change: p.Met448Ile; replaces methionine 448 with isoleucine.
Molecular consequence: missense variant.
Genome position (GRCh38, 1-based): chrX:18,604,268, G>A. VCF-style: chrX-18604268-G-A. GRCh37 (hg19) VCF-style: chrX-18622388-G-A.
Other names: c.1344G>A, p.Met448Ile (NM_001037343.2, NM_003159.3); short protein forms M448I.
Identifiers: ClinVar variation 547186 (VCV000547186.6), dbSNP rs1555952013, ClinGen allele CA412360517.